The following is an entry in ClinVar:

ClinVar aggregate classification (germline): Benign/Likely benign. Review status: criteria provided, multiple submitters, no conflicts (2 of 4 stars). 2 submissions from 2 submitters: Benign (1); Likely benign (1). Last evaluated 2025-11-25.

Conditions:
Intellectual developmental disorder, X-linked 1. Also called: Intellectual disability, X-linked 1; Atkin Flaitz Patil Smith syndrome; MENTAL RETARDATION, X-LINKED 18; MENTAL RETARDATION, X-LINKED 78. Identifiers: Orphanet 777, MedGen C2931498, MONDO:0010656, OMIM 309530.

Allele frequency attached by ClinVar (database versions not stated): ExAC 0.00002; gnomAD 0.00002; gnomAD exomes 0.00004 and 0.00001; TOPMed 0.00020.
gnomAD v4.1: 16 of 1,210,344 alleles (0.0013%); highest among the groups gnomAD compares: Admixed American, 0.017%; no homozygotes.

Submissions (2):

Labcorp Genetics (formerly Invitae), Labcorp
Classification: Benign for Intellectual developmental disorder, X-linked 1. Last evaluated: 2025-11-25. Review status: criteria provided, single submitter. Criteria: Invitae Variant Classification Sherloc (09022015). Collection method: clinical testing. Allele origin: germline.

GeneDx
Classification: Likely benign. Last evaluated: 2016-08-08. Review status: criteria provided, single submitter. Criteria: GeneDx Variant Classification (06012015). Collection method: clinical testing. Allele origin: germline. Affected: yes.
Comment: This variant is considered likely benign or benign based on one or more of the following criteria: it is a conservative change, it occurs at a poorly conserved position in the protein, it is predicted to be benign by multiple in silico algorithms, and/or has population frequency not consistent with disease.

NM_001111125.3(IQSEC2):c.2175G>A (p.Pro725=)

Gene: IQSEC2 (IQ motif and Sec7 domain ArfGEF 2; minus strand). Cytogenetic location: Xp11.22.
Variant type: single nucleotide variant.
Coding change: c.2175G>A on transcript NM_001111125.3 (MANE Select); coding-DNA position 2175, G replaced by A.
Protein change: p.Pro725=; no amino-acid change (proline 725 retained).
Molecular consequence: synonymous variant.
Genome position (GRCh38, 1-based): chrX:53,250,401, C>T on the plus strand (G>A on the coding strand, the complement: IQSEC2 is on the minus strand). VCF-style: chrX-53250401-C-T. GRCh37 (hg19) VCF-style: chrX-53279583-C-T.
Other names: c.1560G>A, p.Pro520= (NM_015075.2).
Identifiers: ClinVar variation 388385 (VCV000388385.10), dbSNP rs781979737, ClinGen allele CA10419974.
Genomic context (GRCh38, chrX:53,250,401, plus strand): 5'-TGGCGAGTCCCAGCTATGCCTTGTCTCCCGCTGGTAAGTCTGCTTGCACAGGCCGGTAGC[C>T]GGAGGCTCCCTTAGACTGTCCCGAGAAGAGGAGCCGGAGCTGCAGTTGATGGTCTCATTG-3'
Protein context (NP_001104595.1, residues 715-735): SSSRDSLREP[Pro725=]ATGLCKQTYQ